The following is an entry in ClinVar:

ClinVar aggregate classification (germline): Uncertain significance (1 of 4 stars; one submission).

Conditions:
Hereditary cancer-predisposing syndrome. Also called: Neoplastic Syndromes, Hereditary; Hereditary Cancer Syndrome; Tumor predisposition; Hereditary neoplastic syndrome. Identifiers: Orphanet 140162, MedGen C0027672, MeSH D009386, MONDO:0015356.

Submission:

Ambry Genetics
Classification: Uncertain significance for Hereditary cancer-predisposing syndrome. Last evaluated: 2025-02-10. Review status: criteria provided, single submitter. Criteria: Ambry Variant Classification Scheme 2023. Collection method: clinical testing. Allele origin: germline.
Comment: The p.I338F variant (also known as c.1012A>T), located in coding exon 9 of the SMARCE1 gene, results from an A to T substitution at nucleotide position 1012. The isoleucine at codon 338 is replaced by phenylalanine, an amino acid with highly similar properties. This amino acid position is conserved. In addition, this alteration is predicted to be tolerated by in silico analysis. Based on the available evidence, the clinical significance of this variant remains unclear.

NM_003079.5(SMARCE1):c.1012A>T (p.Ile338Phe)

Gene: SMARCE1 (SWI/SNF related BAF chromatin remodeling complex subunit E1; minus strand). Cytogenetic location: 17q21.2.
Variant type: single nucleotide variant.
Coding change: c.1012A>T on transcript NM_003079.5 (MANE Select); coding-DNA position 1012, A replaced by T.
Protein change: p.Ile338Phe; replaces isoleucine 338 with phenylalanine.
Molecular consequence: missense variant.
Genome position (GRCh38, 1-based): chr17:40,630,729, T>A on the plus strand (A>T on the coding strand, the complement: SMARCE1 is on the minus strand). VCF-style: chr17-40630729-T-A. GRCh37 (hg19) VCF-style: chr17-38786981-T-A.
Other names: short protein forms I338F.
Identifiers: ClinVar variation 3799021 (VCV003799021.1).